The following is an entry in ClinVar:

NM_016151.4(TAOK2):c.3415A>G (p.Thr1139Ala)

Gene: TAOK2 (TAO kinase 2; plus strand). Cytogenetic location: 16p11.2.
Variant type: single nucleotide variant.
Coding change: c.3415A>G on transcript NM_016151.4 (MANE Select); coding-DNA position 3415, A replaced by G.
Protein change: p.Thr1139Ala; replaces threonine 1139 with alanine.
Molecular consequence: missense variant. On other transcripts: intron variant (1).
Genome position (GRCh38, 1-based): chr16:29,987,687, A>G. VCF-style: chr16-29987687-A-G. GRCh37 (hg19) VCF-style: chr16-29999008-A-G.
Other names: c.3076A>G, p.Thr1026Ala (NM_001252043.2); c.2232+1183A>G (NM_004783.4); short protein forms T1026A, T1139A.
Identifiers: ClinVar variation 1407709 (VCV001407709.8), dbSNP rs1340533086, ClinGen allele CA395500659.

ClinVar aggregate classification (germline): Uncertain significance (1 of 4 stars; one submission).

Allele frequency attached by ClinVar (database versions not stated): gnomAD exomes below 0.00001; TOPMed 0.00001.
gnomAD v4.1: 1 of 1,613,928 alleles (0.000062%); highest among the groups gnomAD compares: Non-Finnish European, 0.000085%; no homozygotes.

Submission:

Labcorp Genetics (formerly Invitae), Labcorp
Classification: Uncertain significance. Last evaluated: 2020-12-14. Review status: criteria provided, single submitter. Criteria: Invitae Variant Classification Sherloc (09022015). Collection method: clinical testing. Allele origin: germline.
Comment: This sequence change replaces threonine with alanine at codon 1139 of the TAOK2 protein (p.Thr1139Ala). The threonine residue is weakly conserved and there is a small physicochemical difference between threonine and alanine. This variant is not present in population databases (ExAC no frequency). This variant has not been reported in the literature in individuals with TAOK2-related conditions. Algorithms developed to predict the effect of missense changes on protein structure and function output the following: SIFT: "Tolerated"; PolyPhen-2: "Benign"; Align-GVGD: "Class C0". The alanine amino acid residue is found in multiple mammalian species, suggesting that this missense change does not adversely affect protein function. These predictions have not been confirmed by published functional studies and their clinical significance is uncertain. In summary, the available evidence is currently insufficient to determine the role of this variant in disease. Therefore, it has been classified as a Variant of Uncertain Significance.